The following is an entry in ClinVar:

NM_000071.3(CBS):c.532-2A>G

Gene: CBS (cystathionine beta-synthase; minus strand). Cytogenetic location: 21q22.3.
Variant type: single nucleotide variant.
Coding change: c.532-2A>G on transcript NM_000071.3 (MANE Select); the canonical splice acceptor site of the intron before coding-DNA position 532, A replaced by G.
Molecular consequence: splice acceptor variant.
Genome position (GRCh38, 1-based): chr21:43,065,523, T>C on the plus strand (A>G on the coding strand, the complement: CBS is on the minus strand). VCF-style: chr21-43065523-T-C. GRCh37 (hg19) VCF-style: chr21-44485633-T-C.
Other names: c.532-2A>G (NM_001320298.2, NM_001178009.3, NM_001178008.3); c.217-2A>G (NM_001321072.1).
Identifiers: ClinVar variation 582633 (VCV000582633.9), dbSNP rs1568932835, ClinGen allele CA410601220.
Genomic context (GRCh38, chr21:43,065,523, plus strand): 5'-AACCTGGCATTGGTGGGCGTCCTCACAATCTCAGCCCCCAGTGCCCGCAGCACGTCCACC[T>C]GCAGGAGGGAAAGCGGTGGCCTGCACCTTCCGCCTGGCCCAGGCACCCTCATCCCCTGCC-3'

ClinVar aggregate classification (germline): Pathogenic (1 of 4 stars; one submission).

Conditions:
HYPERHOMOCYSTEINEMIA, THROMBOTIC, CBS-RELATED. Identifiers: MedGen C3150344, OMIM 236200.

Submission:

Labcorp Genetics (formerly Invitae), Labcorp
Classification: Pathogenic for HYPERHOMOCYSTEINEMIA, THROMBOTIC, CBS-RELATED. Last evaluated: 2022-10-28. Review status: criteria provided, single submitter. Criteria: Invitae Variant Classification Sherloc (09022015). Collection method: clinical testing. Allele origin: germline.
Comment: This sequence change affects an acceptor splice site in intron 6 of the CBS gene. It is expected to disrupt RNA splicing. Variants that disrupt the donor or acceptor splice site typically lead to a loss of protein function (PMID: 16199547), and loss-of-function variants in CBS are known to be pathogenic (PMID: 10338090, 12124992). For these reasons, this variant has been classified as Pathogenic. Algorithms developed to predict the effect of sequence changes on RNA splicing suggest that this variant may disrupt the consensus splice site. ClinVar contains an entry for this variant (Variation ID: 582633). Disruption of this splice site has been observed in individual(s) with clinical features of CBS deficiency (Invitae). In at least one individual the data is consistent with being in trans (on the opposite chromosome) from a pathogenic variant. This variant is not present in population databases (gnomAD no frequency).

Literature cited by the submitters: PubMed 16199547; PubMed 10338090; PubMed 12124992.